The following is an entry in ClinVar:

NM_000552.5(VWF):c.2303G>A (p.Arg768Gln)

Gene: VWF (von Willebrand factor; minus strand). Cytogenetic location: 12p13.31.
Variant type: single nucleotide variant.
Coding change: c.2303G>A on transcript NM_000552.5 (MANE Select); coding-DNA position 2303, G replaced by A.
Protein change: p.Arg768Gln; replaces arginine 768 with glutamine.
Molecular consequence: missense variant.
Genome position (GRCh38, 1-based): chr12:6,044,430, C>T on the plus strand (G>A on the coding strand, the complement: VWF is on the minus strand). VCF-style: chr12-6044430-C-T. GRCh37 (hg19) VCF-style: chr12-6153596-C-T.
Other names: short protein forms R768Q.
Identifiers: ClinVar variation 631689 (VCV000631689.4), dbSNP rs772203447, ClinGen allele CA6403104.

ClinVar aggregate classification (germline): Likely pathogenic (1 of 4 stars; one submission).

Conditions:
Hereditary von Willebrand disease. Identifiers: Orphanet 903, MedGen C5703318, MONDO:0019565. Inheritance: Autosomal recessive or Autosomal dominant.

Allele frequency attached by ClinVar (database versions not stated): gnomAD 0.00001; ExAC 0.00003; TOPMed 0.00004; gnomAD exomes 0.00006.
gnomAD v4.1: 37 of 1,614,008 alleles (0.0023%); highest among the groups gnomAD compares: East Asian, 0.027%; no homozygotes.

Submission:

Illumina Laboratory Services, Illumina
Classification: Likely pathogenic for von Willebrand disorder. Last evaluated: 2018-08-16. Review status: criteria provided, single submitter. Criteria: ICSL Variant Classification Criteria 09 May 2019. Collection method: clinical testing. Allele origin: germline.
Comment: The VWF c.2303G>A (p.Arg768Gln) missense variant has been reported in four studies in which it is found in at least five probands with von Willebrand disease (VWD) including in one in a homozygous state, one in a compound heterozygous state, and at least three in a heterozygous state (Millar et al. 2008; Legendre et al. 2013; Kasatkar et al. 2014; Veyradier et al. 2016). Each heterozygous proband presented with a different von Willebrand disease type, either 1, 2, or 3, while the homozygote presented with type 3, and the compound heterozygote with type 2N (Millar et al. 2008; Legendre et al. 2013; Kasatkar et al. 2014; Veyradier et al. 2016). Control data are unavailable for this variant, which is reported at a frequency of 0.000265 in the East Asian population of the Genome Aggregation Database. Based on the evidence, the p.Arg768Gln variant is classified as likely pathogenic for von Willebrand disease. This variant was observed by ICSL as part of a predisposition screen in an ostensibly healthy population.

Literature cited by the submitters: PubMed 18449422; PubMed 23335371; PubMed 24675615; PubMed 26986123.